The following is an entry in ClinVar:

ClinVar aggregate classification (germline): Uncertain significance (1 of 4 stars; one submission).

Submission:

Labcorp Genetics (formerly Invitae), Labcorp
Classification: Uncertain significance. Last evaluated: 2025-03-03. Review status: criteria provided, single submitter. Criteria: Invitae Variant Classification Sherloc (09022015). Collection method: clinical testing. Allele origin: germline.
Comment: This sequence change replaces threonine, which is neutral and polar, with asparagine, which is neutral and polar, at codon 355 of the TCF3 protein (p.Thr355Asn). This variant is not present in population databases (gnomAD no frequency). This variant has not been reported in the literature in individuals affected with TCF3-related conditions. Invitae Evidence Modeling of protein sequence and biophysical properties (such as structural, functional, and spatial information, amino acid conservation, physicochemical variation, residue mobility, and thermodynamic stability) indicates that this missense variant is expected to disrupt TCF3 protein function with a positive predictive value of 80%. In summary, the available evidence is currently insufficient to determine the role of this variant in disease. Therefore, it has been classified as a Variant of Uncertain Significance.

NM_003200.5(TCF3):c.1064C>A (p.Thr355Asn)

Gene: TCF3 (transcription factor 3; minus strand). Cytogenetic location: 19p13.3.
Variant type: single nucleotide variant.
Coding change: c.1064C>A on transcript NM_003200.5 (MANE Select); coding-DNA position 1064, C replaced by A.
Protein change: p.Thr355Asn; replaces threonine 355 with asparagine.
Molecular consequence: missense variant.
Genome position (GRCh38, 1-based): chr19:1,620,997, G>T on the plus strand (C>A on the coding strand, the complement: TCF3 is on the minus strand). VCF-style: chr19-1620997-G-T. GRCh37 (hg19) VCF-style: chr19-1620996-G-T.
Other names: c.1064C>A, p.Thr355Asn (NM_001136139.4, NM_001351778.2, NM_001351779.2); short protein forms T355N.
Identifiers: ClinVar variation 4743034 (VCV004743034.1).